The following is an entry in ClinVar:

ClinVar aggregate classification (germline): Likely benign. Review status: criteria provided, multiple submitters, no conflicts (2 of 4 stars). 2 submissions from 2 submitters: Likely benign (2). Last evaluated 2026-06-01.

Conditions:
MYH8-related disorder. Also called: MYH8-related condition.

Submissions (2):

CeGaT Center for Human Genetics Tuebingen
Classification: Likely benign. Last evaluated: 2026-06-01. Review status: criteria provided, single submitter. Criteria: CeGaT Center For Human Genetics Tuebingen Variant Classification Criteria Version 2. Collection method: clinical testing. Allele origin: germline. Affected: yes. Observed: 1 variant allele.
Comment: MYH8: PP3, BS2

PreventionGenetics, part of Exact Sciences
Classification: Likely benign for MYH8-related condition. Last evaluated: 2024-11-20. Review status: criteria provided, single submitter. Criteria: ACMG Guidelines, 2015. Collection method: clinical testing. Allele origin: germline.
Comment: This variant is classified as likely benign based on ACMG/AMP sequence variant interpretation guidelines (Richards et al. 2015 PMID: 25741868, with internal and published modifications).

NM_002472.3(MYH8):c.2848T>C (p.Cys950Arg)

Genes: MYH8 (myosin heavy chain 8; minus strand), MYHAS (myosin heavy chain gene cluster antisense RNA; plus strand), LOC126862494 (BRD4-independent group 4 enhancer GRCh37_chr17:10303826-10305025; plus strand). Cytogenetic location: 17p13.1.
Variant type: single nucleotide variant.
Coding change: c.2848T>C on transcript NM_002472.3 (MANE Select); coding-DNA position 2848, T replaced by C.
Protein change: p.Cys950Arg; replaces cysteine 950 with arginine.
Molecular consequence: missense variant.
Genome position (GRCh38, 1-based): chr17:10,401,626, A>G on the plus strand (T>C on the coding strand, the complement: MYH8 is on the minus strand). VCF-style: chr17-10401626-A-G. GRCh37 (hg19) VCF-style: chr17-10304943-A-G.
Other names: c.2848T>C (NM_002472.2); short protein forms C950R.
Identifiers: ClinVar variation 4872947 (VCV004872947.3).